The following is an entry in ClinVar:

NM_001134363.3(RBM20):c.2655+6G>A

Gene: RBM20 (RNA binding motif protein 20; plus strand). Cytogenetic location: 10q25.2.
Variant type: single nucleotide variant.
Coding change: c.2655+6G>A on transcript NM_001134363.3 (MANE Select); 6 bases into the intron after coding-DNA position 2655, G replaced by A.
Molecular consequence: intron variant.
Genome position (GRCh38, 1-based): chr10:110,820,182, G>A. VCF-style: chr10-110820182-G-A. GRCh37 (hg19) VCF-style: chr10-112579940-G-A.
Identifiers: ClinVar variation 4776329 (VCV004776329.1).

ClinVar aggregate classification (germline): Uncertain significance (1 of 4 stars; one submission).

Conditions:
Dilated cardiomyopathy 1DD (CMD1DD). Identifiers: Orphanet 154, MedGen C2750995, MONDO:0013168, OMIM 613172.

Submission:

Labcorp Genetics (formerly Invitae), Labcorp
Classification: Uncertain significance for Dilated cardiomyopathy 1DD. Last evaluated: 2025-07-13. Review status: criteria provided, single submitter. Criteria: Invitae Variant Classification Sherloc (09022015). Collection method: clinical testing. Allele origin: germline.
Comment: This sequence change falls in intron 10 of the RBM20 gene. It does not directly change the encoded amino acid sequence of the RBM20 protein. It affects a nucleotide within the consensus splice site. This variant is not present in population databases (gnomAD no frequency). This variant has not been reported in the literature in individuals affected with RBM20-related conditions. Variants that disrupt the consensus splice site are a relatively common cause of aberrant splicing (PMID: 17576681, 9536098). Algorithms developed to predict the effect of sequence changes on RNA splicing suggest that this variant is not likely to affect RNA splicing. In summary, the available evidence is currently insufficient to determine the role of this variant in disease. Therefore, it has been classified as a Variant of Uncertain Significance.

Literature cited by the submitters: PubMed 17576681; PubMed 9536098.